The following is an entry in ClinVar:

NM_030912.3(TRIM8):c.1136A>G (p.His379Arg)

Gene: TRIM8 (tripartite motif containing 8; plus strand). Cytogenetic location: 10q24.32.
Variant type: single nucleotide variant.
Coding change: c.1136A>G on transcript NM_030912.3 (MANE Select); coding-DNA position 1136, A replaced by G.
Protein change: p.His379Arg; replaces histidine 379 with arginine.
Molecular consequence: missense variant. On other transcripts: non-coding transcript variant (1).
Genome position (GRCh38, 1-based): chr10:102,656,834, A>G. VCF-style: chr10-102656834-A-G. GRCh37 (hg19) VCF-style: chr10-104416591-A-G.
Other names: c.1040A>G, p.His347Arg (NM_001345950.1); short protein forms H347R, H379R.
Identifiers: ClinVar variation 1960781 (VCV001960781.5), dbSNP rs777439499, ClinGen allele CA5668266.

ClinVar aggregate classification (germline): Uncertain significance (1 of 4 stars; one submission).

Allele frequency attached by ClinVar (database versions not stated): gnomAD exomes below 0.00001; TOPMed 0.00001; ExAC 0.00001.
gnomAD v4.1: 1 of 1,539,376 alleles (0.000065%); highest among the groups gnomAD compares: African/African-American, 0.0014%; no homozygotes.

Submission:

Labcorp Genetics (formerly Invitae), Labcorp
Classification: Uncertain significance. Last evaluated: 2022-09-02. Review status: criteria provided, single submitter. Criteria: Invitae Variant Classification Sherloc (09022015). Collection method: clinical testing. Allele origin: germline.
Comment: This sequence change replaces histidine, which is basic and polar, with arginine, which is basic and polar, at codon 379 of the TRIM8 protein (p.His379Arg). The frequency data for this variant in the population databases is considered unreliable, as metrics indicate poor data quality at this position in the gnomAD database. In summary, the available evidence is currently insufficient to determine the role of this variant in disease. Therefore, it has been classified as a Variant of Uncertain Significance. Algorithms developed to predict the effect of missense changes on protein structure and function (SIFT, PolyPhen-2, Align-GVGD) all suggest that this variant is likely to be disruptive. This variant has not been reported in the literature in individuals affected with TRIM8-related conditions.